The following is an entry in ClinVar:

ClinVar aggregate classification (germline): Likely benign. Review status: criteria provided, multiple submitters, no conflicts (2 of 4 stars). 2 submissions from 2 submitters: Likely benign (2). Last evaluated 2026-03-01.

Conditions:
Spastic paraplegia. Identifiers: MedGen C0037772, HP:0001258.

Allele frequency attached by ClinVar (database versions not stated): gnomAD exomes 0.00001.
gnomAD v4.1: 8 of 1,209,695 alleles (0.00066%); highest among the groups gnomAD compares: Non-Finnish European, 0.0009%; no homozygotes.

Submissions (2):

CeGaT Center for Human Genetics Tuebingen
Classification: Likely benign. Last evaluated: 2026-03-01. Review status: criteria provided, single submitter. Criteria: CeGaT Center For Human Genetics Tuebingen Variant Classification Criteria Version 2. Collection method: clinical testing. Allele origin: germline. Affected: yes. Observed: 1 variant allele.
Comment: L1CAM: BP4, BP7

Labcorp Genetics (formerly Invitae), Labcorp
Classification: Likely benign for Spastic paraplegia. Last evaluated: 2024-10-30. Review status: criteria provided, single submitter. Criteria: Invitae Variant Classification Sherloc (09022015). Collection method: clinical testing. Allele origin: germline.

NM_001278116.2(L1CAM):c.2022T>C (p.Ser674=)

Gene: L1CAM (L1 cell adhesion molecule; minus strand). Cytogenetic location: Xq28.
Variant type: single nucleotide variant.
Coding change: c.2022T>C on transcript NM_001278116.2 (MANE Select); coding-DNA position 2022, T replaced by C.
Protein change: p.Ser674=; no amino-acid change (serine 674 retained).
Molecular consequence: synonymous variant.
Genome position (GRCh38, 1-based): chrX:153,867,471, A>G on the plus strand (T>C on the coding strand, the complement: L1CAM is on the minus strand). VCF-style: chrX-153867471-A-G. GRCh37 (hg19) VCF-style: chrX-153132926-A-G.
Other names: c.2022T>C, p.Ser674= (NM_000425.5, NM_024003.3); c.2007T>C, p.Ser669= (NM_001143963.2).
Identifiers: ClinVar variation 2733634 (VCV002733634.7), dbSNP rs1557091362, ClinGen allele CA519205084.